The following is an entry in ClinVar:

ClinVar aggregate classification (germline): Benign/Likely benign. Review status: criteria provided, multiple submitters, no conflicts (2 of 4 stars). 6 submissions from 6 submitters: Benign (3); Likely benign (3). Last evaluated 2026-01-31.

Conditions:
Hypertrophic cardiomyopathy 10. Also called: CARDIOMYOPATHY, HYPERTROPHIC, MID-LEFT VENTRICULAR CHAMBER TYPE, 2; MYL2-Related Familial Hypertrophic Cardiomyopathy. Identifiers: MedGen C1834460, MONDO:0012112, OMIM 608758.

Allele frequency attached by ClinVar (database versions not stated): ESP Exome Variant Server 0.00008; gnomAD 0.00022 and 0.00027; TOPMed 0.00047; ExAC 0.00049; 1000 Genomes Project 30x 0.00156; 1000 Genomes Project 0.00160.
gnomAD v4.1: 219 of 1,614,194 alleles (0.014%); highest among the groups gnomAD compares: East Asian, 0.41%; no homozygotes.

Submissions (6):

Labcorp Genetics (formerly Invitae), Labcorp
Classification: Benign for Hypertrophic cardiomyopathy 10. Last evaluated: 2026-01-31. Review status: criteria provided, single submitter. Criteria: Invitae Variant Classification Sherloc (09022015). Collection method: clinical testing. Allele origin: germline.

Blueprint Genetics
Classification: Likely benign. Last evaluated: 2024-11-14. Review status: criteria provided, single submitter. Criteria: ACMG Guidelines, 2015. Collection method: clinical testing. Allele origin: germline.

Women's Health and Genetics/Laboratory Corporation of America, LabCorp
Classification: Benign. Last evaluated: 2019-11-04. Review status: criteria provided, single submitter. Criteria: LabCorp Variant Classification Summary - May 2015. Collection method: clinical testing. Allele origin: germline.
Comment: Variant summary: MYL2 c.353+12C>A alters a non-conserved nucleotide located close to a canonical splice site and therefore could affect mRNA splicing, leading to a significantly altered protein sequence. Several computational tools predict a significant impact on normal splicing: Five predict the variant strengthens a cryptic 5' donor site. However, these predictions have yet to be confirmed by functional studies. The variant allele was found at a frequency of 0.00055 in 251460 control chromosomes, predominantly at a frequency of 0.0072 within the East Asian subpopulation in the gnomAD database. The observed variant frequency within East Asian control individuals in the gnomAD database is approximately 288 fold of the estimated maximal expected allele frequency for a pathogenic variant in MYL2 causing Cardiomyopathy phenotype (2.5e-05), strongly suggesting that the variant is a benign polymorphism found primarily in populations of East Asian origin. To our knowledge, no occurrence of c.353+12C>A in individuals affected with Cardiomyopathy and no experimental evidence demonstrating its impact on protein function have been reported. No clinical diagnostic laboratories have submitted clinical-significance assessments for this variant to ClinVar after 2014. Based on the evidence outlined above, the variant was classified as benign.

Illumina Laboratory Services, Illumina
Classification: Likely benign for Hypertrophic cardiomyopathy 10. Last evaluated: 2018-01-13. Review status: criteria provided, single submitter. Criteria: ICSL Variant Classification Criteria 13 December 2019. Collection method: clinical testing. Allele origin: germline.
Comment: This variant was observed in the ICSL laboratory as part of a predisposition screen in an ostensibly healthy population. It had not been previously curated by ICSL or reported in the Human Gene Mutation Database (HGMD: prior to June 1st, 2018), and was therefore a candidate for classification through an automated scoring system. Utilizing variant allele frequency, disease prevalence and penetrance estimates, and inheritance mode, an automated score was calculated to assess if this variant is too frequent to cause the disease. Based on the score and internal cut-off values, a variant classified as likely benign is not then subjected to further curation. The score for this variant resulted in a classification of likely benign for this disease.

GeneDx
Classification: Benign. Last evaluated: 2015-03-03. Review status: criteria provided, single submitter. Criteria: GeneDx Variant Classification Process June 2021. Collection method: clinical testing. Allele origin: germline. Affected: yes.

Laboratory for Molecular Medicine, Mass General Brigham Personalized Medicine
Classification: Likely benign. Last evaluated: 2012-03-19. Review status: criteria provided, single submitter. Criteria: LMM Criteria. Collection method: clinical testing. Allele origin: germline. Observed: 1 variant allele.
Comment: 353+12C>A in intron 5 of MYL2: This variant is not expected to have clinical sig nificance because it is not located within the splice consensus sequence. It has been identified in 1/3738 African American chromosomes from a broad population by the NHLBI Exome Sequencing Project. 353+1 2C>A in intron 5 of MYL2 (allele frequency = 1/3738) **

NM_000432.4(MYL2):c.353+12C>A

Gene: MYL2 (myosin light chain 2; minus strand). Cytogenetic location: 12q24.11.
Variant type: single nucleotide variant.
Coding change: c.353+12C>A on transcript NM_000432.4 (MANE Select); 12 bases into the intron after coding-DNA position 353, C replaced by A.
Molecular consequence: intron variant.
Genome position (GRCh38, 1-based): chr12:110,913,234, G>T on the plus strand (C>A on the coding strand, the complement: MYL2 is on the minus strand). VCF-style: chr12-110913234-G-T. GRCh37 (hg19) VCF-style: chr12-111351038-G-T.
Identifiers: ClinVar variation 43470 (VCV000043470.21), dbSNP rs186323458, ClinGen allele CA010139.